The following is an entry in ClinVar:

NM_001348768.2(HECW2):c.4268A>G (p.Glu1423Gly)

Gene: HECW2 (HECT, C2 and WW domain containing E3 ubiquitin protein ligase 2; minus strand). Cytogenetic location: 2q32.3.
Variant type: single nucleotide variant.
Coding change: c.4268A>G on transcript NM_001348768.2 (MANE Select); coding-DNA position 4268, A replaced by G.
Protein change: p.Glu1423Gly; replaces glutamic acid 1423 with glycine.
Molecular consequence: missense variant.
Genome position (GRCh38, 1-based): chr2:196,220,820, T>C on the plus strand (A>G on the coding strand, the complement: HECW2 is on the minus strand). VCF-style: chr2-196220820-T-C. GRCh37 (hg19) VCF-style: chr2-197085544-T-C.
Other names: c.3200A>G, p.Glu1067Gly (NM_001304840.3); c.4268A>G, p.Glu1423Gly (NM_020760.4); short protein forms E1423G, E1067G.
Identifiers: ClinVar variation 4795499 (VCV004795499.1).

ClinVar aggregate classification (germline): Uncertain significance (1 of 4 stars; one submission).

Submission:

GeneDx
Classification: Uncertain significance. Last evaluated: 2025-08-16. Review status: criteria provided, single submitter. Criteria: GeneDx Variant Classification Process June 2021. Collection method: clinical testing. Allele origin: germline. Affected: yes.
Comment: Not observed at significant frequency in large population cohorts (gnomAD); In silico analysis supports that this missense variant has a deleterious effect on protein structure/function; Has not been previously published as pathogenic or benign to our knowledge